The following is an entry in ClinVar:

ClinVar aggregate classification (germline): Pathogenic (1 of 4 stars; one submission).

Conditions:
Hereditary breast ovarian cancer syndrome. Also called: Breast and ovarian cancer; Hereditary breast and ovarian cancer syndrome; Hereditary breast and ovarian cancer syndrome (HBOC); BRCA1- and BRCA2-Associated Hereditary Breast and Ovarian Cancer; Hereditary breast and ovarian cancer; Hereditary breast and/or ovarian cancer syndrome. Identifiers: Orphanet 145, MedGen C0677776, MeSH D061325, MONDO:0003582. Disease mechanism: loss of function.

Submission:

Labcorp Genetics (formerly Invitae), Labcorp
Classification: Pathogenic for Hereditary breast ovarian cancer syndrome. Last evaluated: 2019-12-19. Review status: criteria provided, single submitter. Criteria: Invitae Variant Classification Sherloc (09022015). Collection method: clinical testing. Allele origin: germline.
Comment: For these reasons, this variant has been classified as Pathogenic. Loss-of-function variants in BRCA2 are known to be pathogenic (PMID: 20104584). This sequence change creates a premature translational stop signal (p.Asn1288*) in the BRCA2 gene. It is expected to result in an absent or disrupted protein product. This variant is not present in population databases (ExAC no frequency). This variant has not been reported in the literature in individuals with BRCA2-related conditions.

Literature cited by the submitters: PubMed 20104584.

NM_000059.4(BRCA2):c.3861_3862insTA (p.Asn1288Ter)

Gene: BRCA2 (BRCA2 DNA repair associated; plus strand). Cytogenetic location: 13q13.1.
Variant type: Insertion.
Coding change: c.3861_3862insTA on transcript NM_000059.4 (MANE Select); coding-DNA positions 3861 to 3862, TA inserted.
Protein change: p.Asn1288Ter; replaces asparagine 1288 with a stop codon.
Molecular consequence: nonsense.
Genome position: GRCh38 VCF-style: chr13-32338216-T-TTA. GRCh37 (hg19) VCF-style: chr13-32912353-T-TTA.
Other names: short protein forms N1288*.
Identifiers: ClinVar variation 842891 (VCV000842891.10), dbSNP rs2072490438, ClinGen allele CA916080546.